The following is an entry in ClinVar:

ClinVar aggregate classification (germline): Uncertain significance. Review status: criteria provided, multiple submitters, no conflicts (2 of 4 stars). 2 submissions from 2 submitters: Uncertain significance (2). Last evaluated 2020-05-21.

Conditions:
Inborn genetic diseases. Identifiers: MedGen C0950123, MeSH D030342.
Developmental and epileptic encephalopathy, 11 (DEE11). Also called: Early infantile epileptic encephalopathy 11. Identifiers: Orphanet 1934, MedGen C3150987, MONDO:0013388, OMIM 613721.
Seizures, benign familial infantile, 3 (BFIS3). Also called: CONVULSIONS, BENIGN FAMILIAL INFANTILE, 3; Familial neonatal seizures. Identifiers: Orphanet 140927, Orphanet 306, MedGen C1843140, MONDO:0011904, OMIM 607745.

Submissions (2):

Labcorp Genetics (formerly Invitae), Labcorp
Classification: Uncertain significance for Seizures, benign familial infantile, 3; Developmental and epileptic encephalopathy, 11. Last evaluated: 2020-05-21. Review status: criteria provided, single submitter. Criteria: Invitae Variant Classification Sherloc (09022015). Collection method: clinical testing. Allele origin: germline.
Comment: In summary, the available evidence is currently insufficient to determine the role of this variant in disease. Therefore, it has been classified as a Variant of Uncertain Significance. Algorithms developed to predict the effect of missense changes on protein structure and function are either unavailable or do not agree on the potential impact of this missense change (SIFT: "Deleterious"; PolyPhen-2: "Probably Damaging"; Align-GVGD: "Class C0"). This variant has been observed in individual(s) with clinical features of benign familial neonatal-infantile seizures (Invitae). This variant is not present in population databases (ExAC no frequency). This sequence change replaces glutamic acid with aspartic acid at codon 438 of the SCN2A protein (p.Glu438Asp). The glutamic acid residue is highly conserved and there is a small physicochemical difference between glutamic acid and aspartic acid.

Ambry Genetics
Classification: Uncertain significance for Inborn genetic diseases. Last evaluated: 2018-03-02. Review status: criteria provided, single submitter. Criteria: Ambry exome assertion method (8-5-2015). Collection method: clinical testing. Allele origin: germline. Affected: yes. Observed: 1 variant allele.

NM_001040142.2(SCN2A):c.1314G>C (p.Glu438Asp)

Gene: SCN2A (sodium voltage-gated channel alpha subunit 2; plus strand). Cytogenetic location: 2q24.3.
Variant type: single nucleotide variant.
Coding change: c.1314G>C on transcript NM_001040142.2 (MANE Select); coding-DNA position 1314, G replaced by C.
Protein change: p.Glu438Asp; replaces glutamic acid 438 with aspartic acid.
Molecular consequence: missense variant.
Genome position (GRCh38, 1-based): chr2:165,314,039, G>C. VCF-style: chr2-165314039-G-C. GRCh37 (hg19) VCF-style: chr2-166170549-G-C.
Other names: c.1314G>C, p.Glu438Asp (NM_001040143.2, NM_001371246.1, NM_001371247.1 and 1 more transcripts); short protein forms E438D.
Identifiers: ClinVar variation 985133 (VCV000985133.12), dbSNP rs1697590312, ClinGen allele CA349022352.